The following is an entry in ClinVar:

NM_004006.3(DMD):c.9865C>T (p.Pro3289Ser)

Gene: DMD (dystrophin; minus strand). Cytogenetic location: Xp21.2.
Variant type: single nucleotide variant.
Coding change: c.9865C>T on transcript NM_004006.3 (MANE Select); coding-DNA position 9865, C replaced by T.
Protein change: p.Pro3289Ser; replaces proline 3289 with serine.
Molecular consequence: missense variant.
Genome position (GRCh38, 1-based): chrX:31,182,847, G>A on the plus strand (C>T on the coding strand, the complement: DMD is on the minus strand). VCF-style: chrX-31182847-G-A. GRCh37 (hg19) VCF-style: chrX-31200964-G-A.
Other names: c.9865C>T (NM_004006.2); c.9841C>T, p.Pro3281Ser (NM_000109.4); c.9853C>T, p.Pro3285Ser (NM_004009.3); c.9496C>T, p.Pro3166Ser (NM_004010.3); c.5842C>T, p.Pro1948Ser (NM_004011.4); c.5833C>T, p.Pro1945Ser (NM_004012.4); c.2485C>T, p.Pro829Ser (NM_004013.3, NM_004020.4, NM_004021.3 and 2 more transcripts); c.1678C>T, p.Pro560Ser (NM_004014.3); and 1 more; short protein forms P1945S, P1948S, P3285S, P3166S, P3281S, P3289S, P560S, P829S.
Identifiers: ClinVar variation 1046031 (VCV001046031.10), dbSNP rs2041307409, ClinGen allele CA412653505.

ClinVar aggregate classification (germline): Uncertain significance. Review status: criteria provided, multiple submitters, no conflicts (2 of 4 stars). 2 submissions from 2 submitters: Uncertain significance (2). Last evaluated 2023-11-16.

Conditions:
Duchenne muscular dystrophy (DMD). Also called: MUSCULAR DYSTROPHY, PSEUDOHYPERTROPHIC PROGRESSIVE, DUCHENNE TYPE; Duchenne Muscular Dystrophy (DMD). Identifiers: Orphanet 98896, MedGen C0013264, MONDO:0010679, OMIM 310200.

Submissions (2):

GeneDx
Classification: Uncertain significance. Last evaluated: 2023-11-16. Review status: criteria provided, single submitter. Criteria: GeneDx Variant Classification Process June 2021. Collection method: clinical testing. Allele origin: germline. Affected: yes.
Comment: Not observed at significant frequency in large population cohorts (gnomAD); In silico analysis supports that this missense variant has a deleterious effect on protein structure/function; Has not been previously published as pathogenic or benign to our knowledge

Labcorp Genetics (formerly Invitae), Labcorp
Classification: Uncertain significance for Duchenne muscular dystrophy. Last evaluated: 2020-10-26. Review status: criteria provided, single submitter. Criteria: Invitae Variant Classification Sherloc (09022015). Collection method: clinical testing. Allele origin: germline.
Comment: In summary, the available evidence is currently insufficient to determine the role of this variant in disease. Therefore, it has been classified as a Variant of Uncertain Significance. Algorithms developed to predict the effect of missense changes on protein structure and function (SIFT, PolyPhen-2, Align-GVGD) all suggest that this variant is likely to be disruptive, but these predictions have not been confirmed by published functional studies and their clinical significance is uncertain. This variant has not been reported in the literature in individuals with DMD-related conditions. This variant is not present in population databases (ExAC no frequency). This sequence change replaces proline with serine at codon 3289 of the DMD protein (p.Pro3289Ser). The proline residue is highly conserved and there is a moderate physicochemical difference between proline and serine.